The following is an entry in ClinVar:

NM_024422.6(DSC2):c.295T>C (p.Ser99Pro)

Gene: DSC2 (desmocollin 2; minus strand). Cytogenetic location: 18q12.1.
Variant type: single nucleotide variant.
Coding change: c.295T>C on transcript NM_024422.6 (MANE Select); coding-DNA position 295, T replaced by C.
Protein change: p.Ser99Pro; replaces serine 99 with proline.
Molecular consequence: missense variant. On other transcripts: 5 prime UTR variant (2).
Genome position (GRCh38, 1-based): chr18:31,092,160, A>G on the plus strand (T>C on the coding strand, the complement: DSC2 is on the minus strand). VCF-style: chr18-31092160-A-G. GRCh37 (hg19) VCF-style: chr18-28672123-A-G.
Other names: c.-135T>C (NM_001406506.1, NM_001406507.1); c.295T>C, p.Ser99Pro (NM_004949.5); short protein forms S99P.
Identifiers: ClinVar variation 4870102 (VCV004870102.1).

ClinVar aggregate classification (germline): Uncertain significance (1 of 4 stars; one submission).

Conditions:
Cardiovascular phenotype. Identifiers: MedGen CN230736.

Submission:

Ambry Genetics
Classification: Uncertain significance for Cardiovascular phenotype. Last evaluated: 2026-03-28. Review status: criteria provided, single submitter. Criteria: Ambry Variant Classification Scheme 2023. Collection method: clinical testing. Allele origin: germline.
Comment: The p.S99P variant (also known as c.295T>C), located in coding exon 3 of the DSC2 gene, results from a T to C substitution at nucleotide position 295. The serine at codon 99 is replaced by proline, an amino acid with similar properties. This amino acid position is conserved. In addition, this alteration is predicted to be tolerated by in silico analysis. Based on the available evidence, the clinical significance of this variant remains unclear.